The following is an entry in ClinVar:

NM_006885.4(ZFHX3):c.2650G>C (p.Ala884Pro)

Gene: ZFHX3 (zinc finger homeobox 3; minus strand). Cytogenetic location: 16q22.3.
Variant type: single nucleotide variant.
Coding change: c.2650G>C on transcript NM_006885.4 (MANE Select); coding-DNA position 2650, G replaced by C.
Protein change: p.Ala884Pro; replaces alanine 884 with proline.
Molecular consequence: missense variant. On other transcripts: intron variant (1).
Genome position (GRCh38, 1-based): chr16:72,957,496, C>G on the plus strand (G>C on the coding strand, the complement: ZFHX3 is on the minus strand). VCF-style: chr16-72957496-C-G. GRCh37 (hg19) VCF-style: chr16-72991395-C-G.
Other names: c.2650G>C, p.Ala884Pro (NM_001386735.1); c.-23-6531G>C (NM_001164766.2); c.2650G>C (NM_006885.3); short protein forms A884P.
Identifiers: ClinVar variation 2646838 (VCV002646838.26), dbSNP rs148618101, ClinGen allele CA8164360.

ClinVar aggregate classification (germline): Benign/Likely benign. Review status: criteria provided, multiple submitters, no conflicts (2 of 4 stars). 3 submissions from 3 submitters: Benign (1); Likely benign (1). 1 of the submissions does not count toward it. Last evaluated 2024-11-27.

Conditions:
ZFHX3-related disorder. Also called: ZFHX3-related condition.

Allele frequency attached by ClinVar (database versions not stated): 1000 Genomes Project 0.00060; 1000 Genomes Project 30x 0.00078; ESP Exome Variant Server 0.00131.
gnomAD v4.1: 1,695 of 1,614,082 alleles (0.11%); highest among the groups gnomAD compares: Admixed American, 0.1%; 6 homozygotes.

Submissions (3):

Blueprint Genetics
Classification: Likely benign. Last evaluated: 2024-11-27. Review status: criteria provided, single submitter. Criteria: ACMG Guidelines, 2015. Collection method: clinical testing. Allele origin: germline.

CeGaT Center for Human Genetics Tuebingen
Classification: Benign. Last evaluated: 2023-04-01. Review status: criteria provided, single submitter. Criteria: CeGaT Center For Human Genetics Tuebingen Variant Classification Criteria Version 2. Collection method: clinical testing. Allele origin: germline. Affected: yes. Observed: 3 variant alleles.
Comment: ZFHX3: BP4, BS1, BS2

PreventionGenetics, part of Exact Sciences
Classification: Benign for ZFHX3-related condition. Last evaluated: 2019-08-06. Review status: no assertion criteria provided. Collection method: clinical testing. Allele origin: germline. Not counted in ClinVar's aggregate classification.
Comment: This variant is classified as benign based on ACMG/AMP sequence variant interpretation guidelines (Richards et al. 2015 PMID: 25741868, with internal and published modifications).